The following is an entry in ClinVar:

ClinVar aggregate classification (germline): Conflicting classifications of pathogenicity. Review status: criteria provided, conflicting classifications (1 of 4 stars). 11 submissions from 11 submitters: Uncertain significance (8); Benign (1); Likely benign (2). Last evaluated 2026-07-01.

Conditions:
Lung cancer. Also called: Malignant tumor of lung; Lung cancer, somatic. Identifiers: MedGen C0242379, MONDO:0008903, OMIM 211980.
Ovarian cancer. Also called: OVARIAN CANCER, SOMATIC. Identifiers: Orphanet 213500, MedGen C1140680, MONDO:0008170, OMIM 167000.
Autosomal recessive juvenile Parkinson disease 2. Also called: PARKINSON DISEASE, JUVENILE, AUTOSOMAL RECESSIVE; PRKN-Related Early-Onset Parkinson Disease; Parkinson disease autosomal recessive, early onset; Juvenile parkinsonism; Parkinsonism, early onset, with diurnal fluctuation; Parkinson disease, juvenile, type 2. Identifiers: Orphanet 2828, MedGen C1868675, MONDO:0010820, OMIM 600116.
Parkinson disease 12. Also called: PARK12; PARKINSON DISEASE, X-LINKED. Identifiers: Orphanet 2828, MedGen C1845165, MONDO:0010360, OMIM 300557.
PRKN-related disorder. Also called: PRKN-related condition.

Allele frequency attached by ClinVar (database versions not stated): 1000 Genomes Project 30x 0.00031; 1000 Genomes Project 0.00040; ExAC 0.00150; gnomAD exomes 0.00159; gnomAD 0.00213 and 0.00223; TOPMed 0.00226; ESP Exome Variant Server 0.00238.
gnomAD v4.1: 4,415 of 1,613,282 alleles (0.27%); highest among the groups gnomAD compares: Non-Finnish European, 0.34%; 9 homozygotes.

Submissions (11):

CeGaT Center for Human Genetics Tuebingen
Classification: Likely benign. Last evaluated: 2026-07-01. Review status: criteria provided, single submitter. Criteria: CeGaT Center For Human Genetics Tuebingen Variant Classification Criteria Version 2. Collection method: clinical testing. Allele origin: germline. Affected: yes. Observed: 10 variant alleles.
Comment: PRKN: BS1

PreventionGenetics, part of Exact Sciences
Classification: Uncertain significance for PRKN-related condition. Last evaluated: 2026-07-01. Review status: criteria provided, single submitter. Criteria: ACMG Guidelines, 2015. Collection method: clinical testing. Allele origin: germline.
Comment: The PRKN c.1310C>T variant is predicted to result in the amino acid substitution p.Pro437Leu. This variant was reported in patients with Parkinson disease or in controls (Foroud et al. 2003. PubMed ID: 12629236; Sriram et al. 2005. PubMed ID: 16049031; Pankratz et al. 2009. PubMed ID: 19636047; Moura et al. 2013. PubMed ID: 24167364;  Yi et al. 2019. PubMed ID: 30994895; Lesage et al. 2020. PubMed ID: 33045815; Milanowski et al. 2021. PubMed ID: 33845304). This variant is reported in 0.25% of alleles in individuals of European (Non-Finnish) descent in gnomAD. At this time, the clinical significance of this variant is uncertain due to the absence of conclusive functional and genetic evidence.

GeneDx
Classification: Uncertain significance. Last evaluated: 2026-01-14. Review status: criteria provided, single submitter. Criteria: GeneDx Variant Classification Process June 2021. Collection method: clinical testing. Allele origin: germline. Affected: yes.
Comment: Reported previously in an individual with early onset Parkinson disease who also harbored a second PRKN variant; however, parental studies were not performed (PMID: 15108293); Reported previously as pathogenic in an individual with Parkinson disease who also harbored a complex locus rearrangement presumed to be on the other allele; however, parental testing was not performed and detailed clinical information was not available (PMID: 32802956); Reported previously in the heterozygous state in individuals with Parkinson disease; however, it was also observed in unaffected controls (PMID: 24660942, 17262853, 24167364, 30363439, 30099245, 37750340); Published functional studies demonstrate a damaging effect showing that P437L significantly reduced binding ability and ubiquitination activity of parkin (PMID: 16049031, 29893854); In silico analysis supports that this missense variant has a deleterious effect on protein structure/function; This variant is associated with the following publications: (PMID: 35954270, 33751372, 33045815, 33845304, 29893854, 30363439, 30099245, 17187375, 19636047, 12629236, 26683220, 29887346, 28189762, 18546294, 24167364, 17262853, 30994895, 20643691, 34426522, 34434164, 34584092, 15266615, 38378758, 38767677, 36909283, 32802956, 15108293, 16049031, 24660942, 37750340, 39631693, 25101677, 24005326, 23818421, 29181857, 23225227, 20558392, Step2025[preprint])

Labcorp Genetics (formerly Invitae), Labcorp
Classification: Likely benign. Last evaluated: 2025-12-14. Review status: criteria provided, single submitter. Criteria: Invitae Variant Classification Sherloc (09022015). Collection method: clinical testing. Allele origin: germline.

Mayo Clinic Laboratories, Mayo Clinic
Classification: Uncertain significance. Last evaluated: 2025-08-13. Review status: criteria provided, single submitter. Criteria: ACMG Guidelines, 2015. Collection method: clinical testing. Allele origin: germline. Observed: 3 variant alleles.
Comment: BS1

Fulgent Genetics
Classification: Uncertain significance for Ovarian cancer; Lung cancer; Autosomal recessive juvenile Parkinson disease 2. Last evaluated: 2024-06-01. Review status: criteria provided, single submitter. Criteria: ACMG Guidelines, 2015. Collection method: clinical testing. Allele origin: germline.

Women's Health and Genetics/Laboratory Corporation of America, LabCorp
Classification: Uncertain significance. Last evaluated: 2024-03-20. Review status: criteria provided, single submitter. Criteria: LabCorp Variant Classification Summary - May 2015. Collection method: clinical testing. Allele origin: germline.
Comment: Variant summary: PRKN c.1310C>T (p.Pro437Leu) results in a non-conservative amino acid change located in the IBR domain (IPR002867) of the encoded protein sequence. Four of five in-silico tools predict a damaging effect of the variant on protein function. The variant allele was found at a frequency of 0.0027 in 1613282 control chromosomes in the gnomAD database, including 9 homozygotes. c.1310C>T has been reported in the literature in individuals affected Parkinson disease/early onset PD (examples: Milanowski_2021, Castelo_2021, Lesage_2020, Pankratz_2009). These data do not allow any conclusion about variant significance. Functional studies have shown a damaging effect for P437L with reduced binding ability and ubiquitination activity of parkin (examples: Sriram_2005, Yi_2019) The following publications have been ascertained in the context of this evaluation (PMID: 30994895, 16049031, 33845304, 34434164, 33045815, 19636047). ClinVar contains an entry for this variant (Variation ID: 283504). Based on the evidence outlined above, the variant was classified as uncertain significance.

AiLife Diagnostics
Classification: Uncertain significance. Last evaluated: 2021-06-19. Review status: criteria provided, single submitter. Criteria: ACMG Guidelines, 2015. Collection method: clinical testing. Allele origin: germline. Affected: yes. Observed: 1 variant allele.

Illumina Laboratory Services, Illumina
Classification: Benign for Autosomal recessive juvenile Parkinson disease 2. Last evaluated: 2017-04-27. Review status: criteria provided, single submitter. Criteria: ICSL Variant Classification Criteria 13 December 2019. Collection method: clinical testing. Allele origin: germline.
Comment: This variant was observed as part of a predisposition screen in an ostensibly healthy population. A literature search was performed for the gene, cDNA change, and amino acid change (where applicable). No publications were found based on this search. Allele frequency data from public databases was too high to be consistent with this variant causing disease. Therefore, this variant is classified as benign.

Eurofins Ntd Llc (ga)
Classification: Uncertain significance. Last evaluated: 2015-09-29. Review status: criteria provided, single submitter. Criteria: EGL Classification Definitions 2015. Collection method: clinical testing. Allele origin: germline. Observed: 2 variant alleles, 2 heterozygotes.

Institute of Human Genetics, University Hospital of Duesseldorf
Classification: Uncertain significance for Parkinson disease 12. Review status: criteria provided, single submitter. Criteria: ACMG Guidelines, 2015. Collection method: not provided. Allele origin: germline. Inheritance: Autosomal recessive inheritance. Affected: yes.

Literature cited by the submitters: PubMed 12629236 (cited by Mayo Clinic Laboratories, Mayo Clinic and AiLife Diagnostics); PubMed 16049031 (cited by 3 submitters); PubMed 17187375 (cited by Mayo Clinic Laboratories, Mayo Clinic and AiLife Diagnostics); PubMed 19636047 (cited by 3 submitters); PubMed 20643691 (cited by Mayo Clinic Laboratories, Mayo Clinic and AiLife Diagnostics); PubMed 24167364 (cited by Mayo Clinic Laboratories, Mayo Clinic and AiLife Diagnostics); PubMed 30994895 (cited by 3 submitters); PubMed 33845304 (cited by Mayo Clinic Laboratories, Mayo Clinic and Women's Health and Genetics/Laboratory Corporation of America, LabCorp); PubMed 34434164 (cited by Mayo Clinic Laboratories, Mayo Clinic and Women's Health and Genetics/Laboratory Corporation of America, LabCorp); PubMed 37054910 (cited by Mayo Clinic Laboratories, Mayo Clinic); PubMed 37750340 (cited by Mayo Clinic Laboratories, Mayo Clinic); PubMed 38175148 (cited by Mayo Clinic Laboratories, Mayo Clinic); PubMed 38378758 (cited by Mayo Clinic Laboratories, Mayo Clinic); PubMed 38767677 (cited by Mayo Clinic Laboratories, Mayo Clinic); PubMed 39631693 (cited by Mayo Clinic Laboratories, Mayo Clinic); PubMed 33045815 (cited by Women's Health and Genetics/Laboratory Corporation of America, LabCorp); PubMed 26683220 (cited by AiLife Diagnostics).

NM_004562.3(PRKN):c.1310C>T (p.Pro437Leu)

Gene: PRKN (parkin RBR E3 ubiquitin protein ligase; minus strand). Cytogenetic location: 6q26.
Variant type: single nucleotide variant.
Coding change: c.1310C>T on transcript NM_004562.3 (MANE Select); coding-DNA position 1310, C replaced by T.
Protein change: p.Pro437Leu; replaces proline 437 with leucine.
Molecular consequence: missense variant.
Genome position (GRCh38, 1-based): chr6:161,350,187, G>A on the plus strand (C>T on the coding strand, the complement: PRKN is on the minus strand). VCF-style: chr6-161350187-G-A. GRCh37 (hg19) VCF-style: chr6-161771219-G-A.
Other names: c.1226C>T, p.Pro409Leu (NM_013987.3); c.863C>T, p.Pro288Leu (NM_013988.3); short protein forms P437L, P409L, P288L.
Identifiers: ClinVar variation 283504 (VCV000283504.71), dbSNP rs149953814, ClinGen allele CA4089939.
Genomic context (GRCh38, chr6:161,350,187, plus strand): 5'-CAGACGCGGTTCCACTCGCAGCCACAGTTCCAGCACCACTCGAGCCTGCACTGGGGCTGC[G>A]GACACTTCATGTGCATGCAGCCTCCTGTTGGGGGCAGAAAACAAAGGTGTGGTGGGTTCG-3'
Protein context (NP_004553.2, residues 427-447): KNGGCMHMKC[Pro437Leu]QPQCRLEWCW